The following is an entry in ClinVar:

NM_015346.4(ZFYVE26):c.3967G>T (p.Ala1323Ser)

Gene: ZFYVE26 (zinc finger FYVE-type containing 26; minus strand). Cytogenetic location: 14q24.1.
Variant type: single nucleotide variant.
Coding change: c.3967G>T on transcript NM_015346.4 (MANE Select); coding-DNA position 3967, G replaced by T.
Protein change: p.Ala1323Ser; replaces alanine 1323 with serine.
Molecular consequence: missense variant.
Genome position (GRCh38, 1-based): chr14:67,783,185, C>A on the plus strand (G>T on the coding strand, the complement: ZFYVE26 is on the minus strand). VCF-style: chr14-67783185-C-A. GRCh37 (hg19) VCF-style: chr14-68249902-C-A.
Other names: short protein forms A1323S.
Identifiers: ClinVar variation 971053 (VCV000971053.5), dbSNP rs137913651, ClinGen allele CA7239870.
Genomic context (GRCh38, chr14:67,783,185, plus strand): 5'-TGCGGCCACGAAGTTCCTTCCATGACAAGCTGGGTTTGCTGACCTTTAACCTCGGGGAAG[C>A]CCCCAGGCAGGCCACCGTAGCTAGGAGCTTTGAGCGTGACTTAAGAAAGGCCAAGGCAGA-3'
Protein context (NP_056161.2, residues 1313-1333): KLLATVACLG[Ala1323Ser]SPRLKVSKPS

ClinVar aggregate classification (germline): Uncertain significance. Review status: criteria provided, multiple submitters, no conflicts (2 of 4 stars). 3 submissions from 3 submitters: Uncertain significance (3). Last evaluated 2024-11-01.

Conditions:
Spastic paraplegia. Identifiers: MedGen C0037772, HP:0001258.
Inborn genetic diseases. Identifiers: MedGen C0950123, MeSH D030342.

Allele frequency attached by ClinVar (database versions not stated): 1000 Genomes Project 0.00020; gnomAD 0.00029 and 0.00031; 1000 Genomes Project 30x 0.00031; TOPMed 0.00031; ESP Exome Variant Server 0.00077.
gnomAD v4.1: 88 of 1,610,850 alleles (0.0055%); highest among the groups gnomAD compares: African/African-American, 0.11%; no homozygotes.

Submissions (3):

Blueprint Genetics
Classification: Uncertain significance. Last evaluated: 2024-11-01. Review status: criteria provided, single submitter. Criteria: ACMG Guidelines, 2015. Collection method: clinical testing. Allele origin: germline.

Ambry Genetics
Classification: Uncertain significance for Inborn genetic diseases. Last evaluated: 2024-04-23. Review status: criteria provided, single submitter. Criteria: Ambry Variant Classification Scheme 2023. Collection method: clinical testing. Allele origin: germline.

Labcorp Genetics (formerly Invitae), Labcorp
Classification: Uncertain significance for Spastic paraplegia. Last evaluated: 2022-06-26. Review status: criteria provided, single submitter. Criteria: Invitae Variant Classification Sherloc (09022015). Collection method: clinical testing. Allele origin: germline.
Comment: This sequence change replaces alanine, which is neutral and non-polar, with serine, which is neutral and polar, at codon 1323 of the ZFYVE26 protein (p.Ala1323Ser). This variant is present in population databases (rs137913651, gnomAD 0.1%). This variant has not been reported in the literature in individuals affected with ZFYVE26-related conditions. ClinVar contains an entry for this variant (Variation ID: 971053). Algorithms developed to predict the effect of missense changes on protein structure and function are either unavailable or do not agree on the potential impact of this missense change (SIFT: "Tolerated"; PolyPhen-2: "Possibly Damaging"; Align-GVGD: "Class C0"). In summary, the available evidence is currently insufficient to determine the role of this variant in disease. Therefore, it has been classified as a Variant of Uncertain Significance.